The following is an entry in ClinVar:

NM_007129.5(ZIC2):c.1240-2A>T

Gene: ZIC2 (Zic family member 2; plus strand). Cytogenetic location: 13q32.3.
Variant type: single nucleotide variant.
Coding change: c.1240-2A>T on transcript NM_007129.5 (MANE Select); the canonical splice acceptor site of the intron before coding-DNA position 1240, A replaced by T.
Molecular consequence: splice acceptor variant.
Genome position (GRCh38, 1-based): chr13:99,985,321, A>T. VCF-style: chr13-99985321-A-T. GRCh37 (hg19) VCF-style: chr13-100637575-A-T.
Identifiers: ClinVar variation 1707965 (VCV001707965.2), dbSNP rs2501550235, ClinGen allele CA388639156.

ClinVar aggregate classification (germline): Likely pathogenic (1 of 4 stars; one submission).

Submission:

GeneDx
Classification: Likely pathogenic. Last evaluated: 2022-03-27. Review status: criteria provided, single submitter. Criteria: GeneDx Variant Classification Process June 2021. Collection method: clinical testing. Allele origin: germline. Affected: yes.
Comment: Identified in a patient with middle interhemispheric variant holoprosencephaly in the published literature (Roessler et al., 2018); Canonical splice site variant expected to result in aberrant splicing, although in the absence of functional evidence the actual effect of this sequence change is unknown; Not observed at significant frequency in large population cohorts (gnomAD); This variant is associated with the following publications: (PMID: 29992659)